The following is an entry in ClinVar:

NM_003126.4(SPTA1):c.6025C>T (p.Arg2009Cys)

Gene: SPTA1 (spectrin alpha, erythrocytic 1; minus strand). Cytogenetic location: 1q23.1.
Variant type: single nucleotide variant.
Coding change: c.6025C>T on transcript NM_003126.4 (MANE Select); coding-DNA position 6025, C replaced by T.
Protein change: p.Arg2009Cys; replaces arginine 2009 with cysteine.
Molecular consequence: missense variant.
Genome position (GRCh38, 1-based): chr1:158,623,078, G>A on the plus strand (C>T on the coding strand, the complement: SPTA1 is on the minus strand). VCF-style: chr1-158623078-G-A. GRCh37 (hg19) VCF-style: chr1-158592868-G-A.
Other names: short protein forms R2009C.
Identifiers: ClinVar variation 2690084 (VCV002690084.4), dbSNP rs374336960, ClinGen allele CA31257266.

ClinVar aggregate classification (germline): Uncertain significance. Review status: criteria provided, multiple submitters, no conflicts (2 of 4 stars). 2 submissions from 2 submitters: Uncertain significance (2). Last evaluated 2024-12-12.

Allele frequency attached by ClinVar (database versions not stated): gnomAD 0.00001; TOPMed 0.00004; ESP Exome Variant Server 0.00008.
gnomAD v4.1: 11 of 1,613,978 alleles (0.00068%); highest among the groups gnomAD compares: African/African-American, 0.008%; no homozygotes.

Submissions (2):

Labcorp Genetics (formerly Invitae), Labcorp
Classification: Uncertain significance. Last evaluated: 2024-12-12. Review status: criteria provided, single submitter. Criteria: Invitae Variant Classification Sherloc (09022015). Collection method: clinical testing. Allele origin: germline.
Comment: This sequence change replaces arginine, which is basic and polar, with cysteine, which is neutral and slightly polar, at codon 2009 of the SPTA1 protein (p.Arg2009Cys). This variant is present in population databases (rs374336960, gnomAD 0.003%). This variant has not been reported in the literature in individuals affected with SPTA1-related conditions. ClinVar contains an entry for this variant (Variation ID: 2690084). Invitae Evidence Modeling of protein sequence and biophysical properties (such as structural, functional, and spatial information, amino acid conservation, physicochemical variation, residue mobility, and thermodynamic stability) indicates that this missense variant is expected to disrupt SPTA1 protein function with a positive predictive value of 80%. In summary, the available evidence is currently insufficient to determine the role of this variant in disease. Therefore, it has been classified as a Variant of Uncertain Significance.

Revvity Omics, Revvity
Classification: Uncertain significance. Last evaluated: 2023-02-14. Review status: criteria provided, single submitter. Criteria: ACMG Guidelines, 2015. Collection method: clinical testing. Allele origin: germline.